The following is an entry in ClinVar:

ClinVar aggregate classification (germline): Uncertain significance. Review status: criteria provided, multiple submitters, no conflicts (2 of 4 stars). 2 submissions from 2 submitters: Uncertain significance (2). Last evaluated 2024-01-05.

Conditions:
Pancreatic adenocarcinoma. Identifiers: MedGen C0281361, MONDO:0006047, HP:0006725.

Allele frequency attached by ClinVar (database versions not stated): gnomAD 0.00001; TOPMed 0.00001; ExAC 0.00002; gnomAD exomes 0.00002 and 0.00001.
gnomAD v4.1: 12 of 1,612,594 alleles (0.00074%); highest among the groups gnomAD compares: African/African-American, 0.0027%; no homozygotes.

Submissions (2):

Ambry Genetics
Classification: Uncertain significance. Last evaluated: 2024-01-05. Review status: criteria provided, single submitter. Criteria: Ambry Variant Classification Scheme 2023. Collection method: clinical testing. Allele origin: germline.
Comment: The p.D831N variant (also known as c.2491G>A), located in coding exon 13 of the PALLD gene, results from a G to A substitution at nucleotide position 2491. The aspartic acid at codon 831 is replaced by asparagine, an amino acid with highly similar properties. This amino acid position is conserved. In addition, this alteration is predicted to be tolerated by in silico analysis. Since supporting evidence is limited at this time, the clinical significance of this alteration remains unclear.

Labcorp Genetics (formerly Invitae), Labcorp
Classification: Uncertain significance for Pancreatic adenocarcinoma. Last evaluated: 2023-07-07. Review status: criteria provided, single submitter. Criteria: Invitae Variant Classification Sherloc (09022015). Collection method: clinical testing. Allele origin: germline.
Comment: In summary, the available evidence is currently insufficient to determine the role of this variant in disease. Therefore, it has been classified as a Variant of Uncertain Significance. Algorithms developed to predict the effect of missense changes on protein structure and function output the following: SIFT: "Not Available"; PolyPhen-2: "Probably Damaging"; Align-GVGD: "Not Available". The asparagine amino acid residue is found in multiple mammalian species, which suggests that this missense change does not adversely affect protein function. This sequence change replaces aspartic acid, which is acidic and polar, with asparagine, which is neutral and polar, at codon 344 of the PALLD protein (p.Asp344Asn). This variant is present in population databases (rs746329925, gnomAD 0.003%). This variant has not been reported in the literature in individuals affected with PALLD-related conditions. ClinVar contains an entry for this variant (Variation ID: 1000125).

NM_001166108.2(PALLD):c.2542G>A (p.Asp848Asn)

Genes: CBR4 (carbonyl reductase 4; minus strand), PALLD (palladin, cytoskeletal associated protein; plus strand). Cytogenetic location: 4q32.3.
Variant type: single nucleotide variant.
Coding change: c.2542G>A on transcript NM_001166108.2 (MANE Select); coding-DNA position 2542, G replaced by A.
Protein change: p.Asp848Asn; replaces aspartic acid 848 with asparagine.
Molecular consequence: missense variant.
Genome position (GRCh38, 1-based): chr4:168,903,826, G>A. VCF-style: chr4-168903826-G-A. GRCh37 (hg19) VCF-style: chr4-169824977-G-A.
Other names: c.1345G>A, p.Asp449Asn (NM_001166109.2); c.1030G>A, p.Asp344Asn (NM_001166110.2); c.370G>A, p.Asp124Asn (NM_001367567.1, NM_001367569.1); c.421G>A, p.Asp141Asn (NM_001367568.1, NM_001367570.1); c.2491G>A, p.Asp831Asn (NM_016081.4); short protein forms D124N, D141N, D344N, D449N, D831N, D848N.
Identifiers: ClinVar variation 1000125 (VCV001000125.11), dbSNP rs746329925, ClinGen allele CA3135905.